The following is an entry in ClinVar:

ClinVar aggregate classification (germline): Uncertain significance (1 of 4 stars; one submission).

gnomAD v4.1: 25 of 1,612,810 alleles (0.0016%); highest among the groups gnomAD compares: African/African-American, 0.017%; no homozygotes.

Submission:

Labcorp Genetics (formerly Invitae), Labcorp
Classification: Uncertain significance. Last evaluated: 2025-02-26. Review status: criteria provided, single submitter. Criteria: Invitae Variant Classification Sherloc (09022015). Collection method: clinical testing. Allele origin: germline.
Comment: This sequence change replaces arginine, which is basic and polar, with glutamine, which is neutral and polar, at codon 453 of the ZNF408 protein (p.Arg453Gln). This variant is present in population databases (rs369247386, gnomAD 0.01%). This variant has not been reported in the literature in individuals affected with ZNF408-related conditions. An algorithm developed to predict the effect of missense changes on protein structure and function outputs the following: PolyPhen-2: "Probably Damaging". The glutamine amino acid residue is found in multiple mammalian species, which suggests that this missense change does not adversely affect protein function. In summary, the available evidence is currently insufficient to determine the role of this variant in disease. Therefore, it has been classified as a Variant of Uncertain Significance.

NM_024741.3(ZNF408):c.1358G>A (p.Arg453Gln)

Gene: ZNF408 (zinc finger protein 408; plus strand). Cytogenetic location: 11p11.2.
Variant type: single nucleotide variant.
Coding change: c.1358G>A on transcript NM_024741.3 (MANE Select); coding-DNA position 1358, G replaced by A.
Protein change: p.Arg453Gln; replaces arginine 453 with glutamine.
Molecular consequence: missense variant.
Genome position (GRCh38, 1-based): chr11:46,705,058, G>A. VCF-style: chr11-46705058-G-A. GRCh37 (hg19) VCF-style: chr11-46726608-G-A.
Other names: c.1334G>A, p.Arg445Gln (NM_001184751.2); short protein forms R445Q, R453Q.
Identifiers: ClinVar variation 3605253 (VCV003605253.2).